The following is an entry in ClinVar:

NM_001291303.3(FAT4):c.7707G>C (p.Val2569=)

Gene: FAT4 (FAT atypical cadherin 4; plus strand). Cytogenetic location: 4q28.1.
Variant type: single nucleotide variant.
Coding change: c.7707G>C on transcript NM_001291303.3 (MANE Select); coding-DNA position 7707, G replaced by C.
Protein change: p.Val2569=; no amino-acid change (valine 2569 retained).
Molecular consequence: synonymous variant.
Genome position (GRCh38, 1-based): chr4:125,448,717, G>C. VCF-style: chr4-125448717-G-C. GRCh37 (hg19) VCF-style: chr4-126369872-G-C.
Other names: p.Val2567=; c.7707G>C, p.Val2569= (NM_001291285.3); c.7701G>C, p.Val2567= (NM_024582.6).
Identifiers: ClinVar variation 380795 (VCV000380795.19), dbSNP rs988863, ClinGen allele CA3073243.
Genomic context (GRCh38, chr4:125,448,717, plus strand): 5'-AAAGACAGATTCTACAACAGTGACTGTTAGATTCGTGAATAAGGCCGATTTCCCTAAAGT[G>C]AGAGCCAAAGAACAAACGTTCATGTTTCCTGAAAACCAACCAGTCAGCTCTCTTGTCACC-3'
Protein context (NP_001278232.1, residues 2559-2579): RFVNKADFPK[Val2569=]RAKEQTFMFP

ClinVar aggregate classification (germline): Benign. Review status: criteria provided, multiple submitters, no conflicts (2 of 4 stars). 11 submissions from 10 submitters: Benign (8). 3 of the submissions do not count toward it. Last evaluated 2026-02-04.

Conditions:
Hennekam lymphangiectasia-lymphedema syndrome 2 (HKLLS2). Identifiers: Orphanet 2136, MedGen C4014939, MONDO:0014454, OMIM 616006.
Van Maldergem syndrome 2 (VMLDS2). Identifiers: Orphanet 314679, MedGen C3809875, MONDO:0014242, OMIM 615546.

Allele frequency attached by ClinVar (database versions not stated): 1000 Genomes Project 30x 0.98798; 1000 Genomes Project 0.99081; TOPMed 0.99217; ESP Exome Variant Server 0.99239; gnomAD 0.99289 and 0.99324; gnomAD exomes 0.99934.
gnomAD v4.1: 1,611,857 of 1,613,886 alleles (100%); highest among the groups gnomAD compares: East Asian, 100%; 804,936 homozygotes.

Submissions (11):

Labcorp Genetics (formerly Invitae), Labcorp
Classification: Benign. Last evaluated: 2026-02-04. Review status: criteria provided, single submitter. Criteria: Invitae Variant Classification Sherloc (09022015). Collection method: clinical testing. Allele origin: germline.

Blueprint Genetics
Classification: Benign. Last evaluated: 2024-11-26. Review status: criteria provided, single submitter. Criteria: ACMG Guidelines, 2015. Collection method: clinical testing. Allele origin: germline.

Unidad de Genómica Garrahan, Hospital de Pediatría Garrahan
Classification: Benign. Last evaluated: 2024-01-24. Review status: criteria provided, single submitter. Criteria: ACMG Guidelines, 2015. Collection method: clinical testing. Allele origin: germline. Affected: no. Observed: 95 variant alleles.
Comment: This variant is classified as Benign based on local population frequency. This variant was detected in 100% of patients studied by a panel of primary immunodeficiencies. Number of patients: 95. Only high quality variants are reported.

Genome-Nilou Lab
Classification: Benign for Hennekam lymphangiectasia-lymphedema syndrome 2. Last evaluated: 2021-08-10. Review status: criteria provided, single submitter. Criteria: ACMG Guidelines, 2015. Collection method: clinical testing. Allele origin: germline. Affected: no.

Genome-Nilou Lab
Classification: Benign for Van Maldergem syndrome 2. Last evaluated: 2021-08-10. Review status: criteria provided, single submitter. Criteria: ACMG Guidelines, 2015. Collection method: clinical testing. Allele origin: germline. Affected: no.

Mayo Clinic Laboratories, Mayo Clinic
Classification: Benign. Last evaluated: 2021-04-07. Review status: criteria provided, single submitter. Criteria: ACMG Guidelines, 2015. Collection method: clinical testing. Allele origin: germline. Observed: 3 variant alleles.

GeneDx
Classification: Benign. Last evaluated: 2016-01-08. Review status: criteria provided, single submitter. Criteria: GeneDx Variant Classification (06012015). Collection method: clinical testing. Allele origin: germline. Affected: yes.
Comment: This variant is considered likely benign or benign based on one or more of the following criteria: it is a conservative change, it occurs at a poorly conserved position in the protein, it is predicted to be benign by multiple in silico algorithms, and/or has population frequency not consistent with disease.

Breakthrough Genomics
Classification: Benign. Review status: criteria provided, single submitter. Criteria: ACMG Guidelines, 2015. Collection method: not provided. Allele origin: germline. Inheritance: Autosomal recessive inheritance. Affected: yes.

Clinical Genetics DNA and cytogenetics Diagnostics Lab, Erasmus MC, Erasmus Medical Center
Classification: Benign. Review status: no assertion criteria provided. Collection method: clinical testing. Allele origin: germline. Affected: yes. Study: VKGL Data-share Consensus. Not counted in ClinVar's aggregate classification.

Clinical Genetics, Academic Medical Center
Classification: Benign. Review status: no assertion criteria provided. Collection method: clinical testing. Allele origin: germline. Affected: yes. Study: VKGL Data-share Consensus. Not counted in ClinVar's aggregate classification.

Joint Genome Diagnostic Labs from Nijmegen and Maastricht, Radboudumc and MUMC+
Classification: Benign. Review status: no assertion criteria provided. Collection method: clinical testing. Allele origin: germline. Affected: yes. Study: VKGL Data-share Consensus. Not counted in ClinVar's aggregate classification.